The following is an entry in ClinVar:

NM_000540.3(RYR1):c.10096C>A (p.Arg3366Ser)

Gene: RYR1 (ryanodine receptor 1; plus strand). Cytogenetic location: 19q13.2.
Variant type: single nucleotide variant.
Coding change: c.10096C>A on transcript NM_000540.3 (MANE Select); coding-DNA position 10096, C replaced by A.
Protein change: p.Arg3366Ser; replaces arginine 3366 with serine.
Molecular consequence: missense variant.
Genome position (GRCh38, 1-based): chr19:38,519,291, C>A. VCF-style: chr19-38519291-C-A. GRCh37 (hg19) VCF-style: chr19-39009931-C-A.
Other names: c.10096C>A, p.Arg3366Ser (NM_001042723.2); short protein forms R3366S.
Identifiers: ClinVar variation 808562 (VCV000808562.47), dbSNP rs561638083, ClinGen allele CA052347.

ClinVar aggregate classification (germline): Uncertain significance. Review status: criteria provided, multiple submitters, no conflicts (2 of 4 stars). 3 submissions from 3 submitters: Uncertain significance (3). Last evaluated 2026-06-01.

Conditions:
Inborn genetic diseases. Identifiers: MedGen C0950123, MeSH D030342.
RYR1-related disorder. Also called: RYR1-related condition; RYR1-related disorders. Identifiers: MedGen CN239331.

Allele frequency attached by ClinVar (database versions not stated): ExAC 0.00003.
gnomAD v4.1: 7 of 1,613,984 alleles (0.00043%); highest among the groups gnomAD compares: Non-Finnish European, 0.00059%; no homozygotes.

Submissions (3):

CeGaT Center for Human Genetics Tuebingen
Classification: Uncertain significance. Last evaluated: 2026-06-01. Review status: criteria provided, single submitter. Criteria: CeGaT Center For Human Genetics Tuebingen Variant Classification Criteria Version 2. Collection method: clinical testing. Allele origin: germline. Affected: yes. Observed: 2 variant alleles.
Comment: RYR1: PM2

Ambry Genetics
Classification: Uncertain significance for Inborn genetic diseases. Last evaluated: 2025-09-22. Review status: criteria provided, single submitter. Criteria: Ambry Variant Classification Scheme 2023. Collection method: clinical testing. Allele origin: germline.

Labcorp Genetics (formerly Invitae), Labcorp
Classification: Uncertain significance for RYR1-related disorder. Last evaluated: 2021-08-31. Review status: criteria provided, single submitter. Criteria: Invitae Variant Classification Sherloc (09022015). Collection method: clinical testing. Allele origin: germline.
Comment: This sequence change replaces arginine with serine at codon 3366 of the RYR1 protein (p.Arg3366Ser). The arginine residue is moderately conserved and there is a moderate physicochemical difference between arginine and serine. This variant is present in population databases (rs561638083, ExAC 0.003%). This variant has not been reported in the literature in individuals affected with RYR1-related conditions. ClinVar contains an entry for this variant (Variation ID: 808562). Advanced modeling of protein sequence and biophysical properties (such as structural, functional, and spatial information, amino acid conservation, physicochemical variation, residue mobility, and thermodynamic stability) performed at Invitae indicates that this missense variant is not expected to disrupt RYR1 protein function. In summary, the available evidence is currently insufficient to determine the role of this variant in disease. Therefore, it has been classified as a Variant of Uncertain Significance.